The following is an entry in ClinVar:

ClinVar aggregate classification (germline): Conflicting classifications of pathogenicity. Review status: criteria provided, conflicting classifications (1 of 4 stars). 4 submissions from 4 submitters: Uncertain significance (2); Likely benign (2). Last evaluated 2025-12-29.

Conditions:
Hereditary cancer-predisposing syndrome. Also called: Neoplastic Syndromes, Hereditary; Tumor predisposition; Hereditary neoplastic syndrome; Hereditary Cancer Syndrome. Identifiers: Orphanet 140162, MedGen C0027672, MeSH D009386, MONDO:0015356.
Hereditary breast ovarian cancer syndrome. Also called: Hereditary breast and ovarian cancer syndrome (HBOC); Hereditary breast and ovarian cancer syndrome; Breast and ovarian cancer; Hereditary breast and ovarian cancer; Hereditary breast and/or ovarian cancer syndrome; BRCA1- and BRCA2-Associated Hereditary Breast and Ovarian Cancer. Identifiers: Orphanet 145, MedGen C0677776, MeSH D061325, MONDO:0003582. Disease mechanism: loss of function.

Allele frequency attached by ClinVar (database versions not stated): gnomAD exomes below 0.00001; ExAC 0.00001.

Submissions (4):

Center for Genomic Medicine, Rigshospitalet, Copenhagen University Hospital
Classification: Likely benign. Last evaluated: 2025-12-29. Review status: criteria provided, single submitter. Criteria: ACMG Guidelines, 2015. Collection method: clinical testing. Allele origin: germline.
Comment: Classification criteria: BP1_strong

Ambry Genetics
Classification: Uncertain significance for Hereditary cancer-predisposing syndrome. Last evaluated: 2024-05-16. Review status: criteria provided, single submitter. Criteria: Ambry Variant Classification Scheme 2023. Collection method: clinical testing. Allele origin: germline.
Comment: The p.N1081S variant (also known as c.3242A>G), located in coding exon 9 of the BRCA1 gene, results from an A to G substitution at nucleotide position 3242. The asparagine at codon 1081 is replaced by serine, an amino acid with highly similar properties. This amino acid position is conserved. In addition, this alteration is predicted to be tolerated by in silico analysis. Based on the available evidence, the clinical significance of this variant remains unclear.

Labcorp Genetics (formerly Invitae), Labcorp
Classification: Uncertain significance for Hereditary breast ovarian cancer syndrome. Last evaluated: 2023-05-25. Review status: criteria provided, single submitter. Criteria: Invitae Variant Classification Sherloc (09022015). Collection method: clinical testing. Allele origin: germline.
Comment: Advanced modeling of protein sequence and biophysical properties (such as structural, functional, and spatial information, amino acid conservation, physicochemical variation, residue mobility, and thermodynamic stability) performed at Invitae indicates that this missense variant is not expected to disrupt BRCA1 protein function. ClinVar contains an entry for this variant (Variation ID: 662436). This variant has not been reported in the literature in individuals affected with BRCA1-related conditions. This variant is present in population databases (rs753440254, gnomAD 0.0009%). This sequence change replaces asparagine, which is neutral and polar, with serine, which is neutral and polar, at codon 1081 of the BRCA1 protein (p.Asn1081Ser). In summary, the available evidence is currently insufficient to determine the role of this variant in disease. Therefore, it has been classified as a Variant of Uncertain Significance.

University of Washington Department of Laboratory Medicine, University of Washington
Classification: Likely benign for Hereditary cancer-predisposing syndrome. Last evaluated: 2023-03-23. Review status: criteria provided, single submitter. Criteria: Dines et al. (Genet Med. 2020). Collection method: curation. Allele origin: germline.
Comment: Missense variant in a coldspot region where missense variants are very unlikely to be pathogenic (PMID:31911673).

BRCA1 coldspot (exon 11 using historical exon numbering). Reclassification based on statistical prior probability

NM_007294.4(BRCA1):c.3242A>G (p.Asn1081Ser)

Genes: BRCA1 (BRCA1 DNA repair associated; minus strand), LOC126862571 (BRD4-independent group 4 enhancer GRCh37_chr17:41243136-41244335; plus strand). Cytogenetic location: 17q21.31.
Variant type: single nucleotide variant.
Coding change: c.3242A>G on transcript NM_007294.4 (MANE Select); coding-DNA position 3242, A replaced by G.
Protein change: p.Asn1081Ser; replaces asparagine 1081 with serine.
Molecular consequence: missense variant. On other transcripts: intron variant (137).
Genome position (GRCh38, 1-based): chr17:43,092,289, T>C on the plus strand (A>G on the coding strand, the complement: BRCA1 is on the minus strand). VCF-style: chr17-43092289-T-C. GRCh37 (hg19) VCF-style: chr17-41244306-T-C.
Other names: c.3029A>G, p.Asn1010Ser (NM_001407571.1, NM_001407853.1, NM_001407894.1 and 9 more transcripts); c.3242A>G, p.Asn1081Ser (NM_001407581.1, NM_001407582.1, NM_001407583.1 and 30 more transcripts); c.3239A>G, p.Asn1080Ser (NM_001407587.1, NM_001407590.1, NM_001407591.1 and 22 more transcripts); c.3233A>G, p.Asn1078Ser (NM_001407646.1, NM_001407647.1); c.3119A>G, p.Asn1040Ser (NM_001407648.1, NM_001407664.1, NM_001407665.1 and 19 more transcripts); c.3116A>G, p.Asn1039Ser (NM_001407649.1, NM_001407670.1, NM_001407671.1 and 11 more transcripts); c.3164A>G, p.Asn1055Ser (NM_001407653.1, NM_001407654.1, NM_001407655.1 and 4 more transcripts); c.3161A>G, p.Asn1054Ser (NM_001407659.1, NM_001407660.1, NM_001407661.1 and 1 more transcripts); and 41 more; short protein forms N1081S, N1034S, N1011S, N1054S, N913S, N953S, N969S, N992S.
Identifiers: ClinVar variation 662436 (VCV000662436.12), dbSNP rs753440254, ClinGen allele CA058037.